The following is an entry in ClinVar:

NM_001374828.1(ARID1B):c.612_620del (p.Gln212_Gln214del)

Genes: ARID1B (AT-rich interaction domain 1B; plus strand), LOC115308161 (uncharacterized LOC115308161; minus strand). Cytogenetic location: 6q25.3.
Variant type: Deletion.
Coding change: c.612_620del on transcript NM_001374828.1 (MANE Select); coding-DNA positions 612 to 620, 9 bases deleted (ACAGCAGCA; older notation c.612_620delACAGCAGCA).
Protein change: p.Gln212_Gln214del.
Molecular consequence: inframe deletion. On other transcripts: non-coding transcript variant (1).
Genome position (GRCh38, 1-based): chr6:156,778,292-156,778,300, ACAGCAGCA deleted; deleting any 9 consecutive bases within chr6:156,778,284-156,778,300 gives the same sequence; the c. name uses the placement nearest the transcript's 3' end. VCF-style (leftmost placement, unchanged base first): chr6-156778283-GCAGCAGCAA-G. GRCh37 (hg19) VCF-style: chr6-157099417-GCAGCAGCAA-G.
Other names: c.612_620del, p.Gln212_Gln214del (NM_001371656.1, NM_001374820.1, NM_017519.3); c.363_371del, p.Gln129_Gln131del (NM_020732.3); c.363_371delACAGCAGCA (NM_020732.3); c.363_371del9 (NM_020732.3).
Identifiers: ClinVar variation 210285 (VCV000210285.32), dbSNP rs797045274, ClinGen allele CA207392.

ClinVar aggregate classification (germline): Conflicting classifications of pathogenicity. Review status: criteria provided, conflicting classifications (1 of 4 stars). 8 submissions from 8 submitters: Uncertain significance (1); Likely benign (6). 1 of the submissions does not count toward it. Last evaluated 2025-03-31.

Conditions:
ARID1B-Related Disorder. Identifiers: MedGen CN381337.
Inborn genetic diseases. Identifiers: MedGen C0950123, MeSH D030342.
Coffin-Siris syndrome. Identifiers: Orphanet 1465, MedGen C0265338, MONDO:0015452.

Submissions (8):

Labcorp Genetics (formerly Invitae), Labcorp
Classification: Likely benign. Last evaluated: 2025-03-31. Review status: criteria provided, single submitter. Criteria: Invitae Variant Classification Sherloc (09022015). Collection method: clinical testing. Allele origin: germline.

CeGaT Center for Human Genetics Tuebingen
Classification: Likely benign. Last evaluated: 2024-11-01. Review status: criteria provided, single submitter. Criteria: CeGaT Center For Human Genetics Tuebingen Variant Classification Criteria Version 2. Collection method: clinical testing. Allele origin: germline. Affected: yes. Observed: 1 variant allele.
Comment: ARID1B: BS1

Department of Pathology and Laboratory Medicine, Sinai Health System
Classification: Uncertain significance for Coffin-Siris syndrome. Last evaluated: 2023-05-04. Review status: criteria provided, single submitter. Criteria: ACMG Guidelines, 2015. Collection method: research. Allele origin: germline.

Blueprint Genetics
Classification: Likely benign. Last evaluated: 2022-09-28. Review status: criteria provided, single submitter. Criteria: ACMG Guidelines, 2015. Collection method: clinical testing. Allele origin: germline.

GeneDx
Classification: Likely benign. Last evaluated: 2020-12-15. Review status: criteria provided, single submitter. Criteria: GeneDx Variant Classification Process June 2021. Collection method: clinical testing. Allele origin: germline. Affected: yes.

Ambry Genetics
Classification: Likely benign for Inborn genetic diseases. Last evaluated: 2018-03-23. Review status: criteria provided, single submitter. Criteria: Ambry Variant Classification Scheme 2023. Collection method: clinical testing. Allele origin: germline.

Genetic Services Laboratory, University of Chicago
Classification: Likely benign. Last evaluated: 2015-03-17. Review status: criteria provided, single submitter. Criteria: ACMG Guidelines, 2015. Collection method: clinical testing. Allele origin: germline.

PreventionGenetics, part of Exact Sciences
Classification: Likely benign for ARID1B-related condition. Last evaluated: 2022-05-03. Review status: no assertion criteria provided. Collection method: clinical testing. Allele origin: germline. Not counted in ClinVar's aggregate classification.
Comment: This variant is classified as likely benign based on ACMG/AMP sequence variant interpretation guidelines (Richards et al. 2015 PMID: 25741868, with internal and published modifications).